The following is an entry in ClinVar:

NM_177972.3(TUB):c.1369ATC[1] (p.Ile458del)

Genes: RIC3 (RIC3 acetylcholine receptor chaperone; minus strand), TUB (TUB bipartite transcription factor; plus strand). Cytogenetic location: 11p15.4.
Variant type: Microsatellite.
Coding change: c.1369ATC[1] on transcript NM_177972.3 (MANE Select); one copy of the 3-base unit ATC starting at c.1369; the reference has two copies in a row; one copy, 3 bases deleted.
Protein change: p.Ile458del; deletes isoleucine 458.
Molecular consequence: inframe deletion.
Genome position (GRCh38, 1-based): chr11:8,100,982-8,100,984, ATC deleted; deleting any 3 consecutive bases within chr11:8,100,979-8,100,984 gives the same sequence; the position shown is the placement nearest the transcript's 3' end. VCF-style (leftmost placement, unchanged base first): chr11-8100978-GATC-G. GRCh37 (hg19) VCF-style: chr11-8122525-GATC-G.
Other names: c.1387ATC[1], p.Ile464del (NM_001440538.1, NM_001440539.1); c.1219ATC[1], p.Ile408del (NM_001440540.1, NM_001440542.1); c.1201ATC[1], p.Ile402del (NM_001440541.1); c.1534ATC[1], p.Ile513del (NM_003320.5); short protein forms I402del, I408del, I458del, I464del, I513del.
Identifiers: ClinVar variation 4998029 (VCV004998029.1).

ClinVar aggregate classification (germline): Uncertain significance (1 of 4 stars; one submission).

Conditions:
TUB-related disorder. Also called: TUB-related condition.

Submission:

PreventionGenetics, part of Exact Sciences
Classification: Uncertain significance for TUB-related condition. Last evaluated: 2025-02-19. Review status: criteria provided, single submitter. Criteria: ACMG Guidelines, 2015. Collection method: clinical testing. Allele origin: germline.
Comment: The TUB c.1537_1539delATC variant is predicted to result in an in-frame deletion (p.Ile513del). To our knowledge, this variant has not been reported in the literature or in a large population database (gnomAD), indicating this variant is rare. At this time, the clinical significance of this variant is uncertain due to the absence of conclusive functional and genetic evidence.